The following is an entry in ClinVar:

ClinVar aggregate classification (germline): Pathogenic/Likely pathogenic. Review status: criteria provided, multiple submitters, no conflicts (2 of 4 stars). 14 submissions from 14 submitters: Pathogenic (9); Likely pathogenic (1). 4 of the submissions do not count toward it. Last evaluated 2026-02-05.

Conditions:
MYO7A-related disorder. Also called: MYO7A-related disorders.
Rare genetic deafness. Identifiers: Orphanet 96210, MedGen C5680250.
Monogenic hearing loss.
Retinal dystrophy. Also called: Inherited retinal dystrophy. Identifiers: Orphanet 71862, MedGen C0854723, MeSH D058499, MONDO:0019118, HP:0000556.
Autosomal recessive nonsyndromic hearing loss 2. Also called: DEAFNESS, AUTOSOMAL RECESSIVE 2; NEUROSENSORY NONSYNDROMIC RECESSIVE DEAFNESS 2. Identifiers: Orphanet 90636, MedGen C1838701, MONDO:0010807, OMIM 600060.
Autosomal dominant nonsyndromic hearing loss 11. Identifiers: Orphanet 90635, MedGen C1832475, MONDO:0011032, OMIM 601317.
Usher syndrome type 1 (USH1). Also called: RETINITIS PIGMENTOSA AND CONGENITAL DEAFNESS. Identifiers: Orphanet 231169, Orphanet 886, MedGen C1568247, MONDO:0010168, OMIM 276900.
Usher syndrome type 1B (USH1B). Also called: Usher syndrome type IB. Identifiers: MedGen C1848638, MONDO:0700087.

Allele frequency attached by ClinVar (database versions not stated): ExAC 0.00002; gnomAD 0.00002; TOPMed 0.00002.
gnomAD v4.1: 97 of 1,611,392 alleles (0.006%); highest among the groups gnomAD compares: Non-Finnish European, 0.0081%; no homozygotes.

Submissions (14):

GeneDx
Classification: Pathogenic. Last evaluated: 2026-02-05. Review status: criteria provided, single submitter. Criteria: GeneDx Variant Classification Process June 2021. Collection method: clinical testing. Allele origin: germline.
Comment: Nonsense variant predicted to result in protein truncation or nonsense mediated decay in a gene for which loss of function is a known mechanism of disease; This variant is associated with the following publications: (PMID: 21873662, 27957503, 31980526, 31964843, 34948090, 8900236, 38219857, 22135276, 25404053, 24199935)

Genetics Laboratory, Great Ormond Street Hospital NHS Foundation Trust, North Thames Genomic Laboratory Hub
Classification: Pathogenic for Monogenic hearing loss. Last evaluated: 2025-07-29. Review status: criteria provided, single submitter. Criteria: ACGS Best Practice Guidelines for Variant Classification in Rare Disease 2024 v1.2. Collection method: clinical testing. Allele origin: germline. Affected: yes.
Comment: PM2_supporting, PVS1_very-strong, PM3_moderate, PP4_supporting

Natera, Inc.
Classification: Pathogenic for Usher syndrome type 1B. Last evaluated: 2025-07-24. Review status: criteria provided, single submitter. Criteria: Natera Variant Classification Schema (03/2026). Collection method: clinical testing. Allele origin: germline.
Comment: The c.5824G>T variant in MYO7A is a nonsense variant predicted to introduce a stop codon at amino acid 1942. This variant is expected to result in nonsense mediated decay, truncation, or a dysfunctional protein product. This variant is rare in the general population with a frequency below the threshold expected for the associated phenotype(s). This variant has been observed in one or more individuals affected with the associated recessive disease, as either homozygous or compound heterozygous with a second variant (PMID: 34948090, 27957503). Given the available evidence, this variant is classified as Pathogenic.

Fulgent Genetics
Classification: Pathogenic for Usher syndrome type 1; Autosomal recessive nonsyndromic hearing loss 2; Autosomal dominant nonsyndromic hearing loss 11. Last evaluated: 2024-05-31. Review status: criteria provided, single submitter. Criteria: ACMG Guidelines, 2015. Collection method: clinical testing. Allele origin: germline.

Labcorp Genetics (formerly Invitae), Labcorp
Classification: Pathogenic. Last evaluated: 2024-02-17. Review status: criteria provided, single submitter. Criteria: Invitae Variant Classification Sherloc (09022015). Collection method: clinical testing. Allele origin: germline.
Comment: This sequence change creates a premature translational stop signal (p.Gly1942*) in the MYO7A gene. It is expected to result in an absent or disrupted protein product. Loss-of-function variants in MYO7A are known to be pathogenic (PMID: 8900236, 25404053). This variant is present in population databases (rs111033192, gnomAD 0.003%). This premature translational stop signal has been observed in individuals with Usher syndrome (PMID: 21873662, 22135276). ClinVar contains an entry for this variant (Variation ID: 43300). For these reasons, this variant has been classified as Pathogenic.

Blueprint Genetics
Classification: Pathogenic for MYO7A-related disorders. Last evaluated: 2023-04-12. Review status: criteria provided, single submitter. Criteria: ACMG Guidelines, 2015. Collection method: clinical testing. Allele origin: germline. Affected: yes. Observed: 5 variant alleles.

Institute of Human Genetics, Univ. Regensburg, Univ. Regensburg
Classification: Pathogenic for Retinal dystrophy. Last evaluated: 2022-01-01. Review status: criteria provided, single submitter. Criteria: ACMG Guidelines, 2015. Collection method: clinical testing. Allele origin: germline. Affected: yes.

Illumina Laboratory Services, Illumina
Classification: Likely pathogenic for MYO7A-Related Disorders. Last evaluated: 2017-04-27. Review status: criteria provided, single submitter. Criteria: ICSL Variant Classification Criteria 09 May 2019. Collection method: clinical testing. Allele origin: germline.
Comment: The MYO7A c.5824G>T (p.Gly1942Ter) variant is a stop-gained variant that is predicted to result in a premature termination of the protein. The p.Gly1942Ter variant has been reported in three studies in which it is found in a total of seven patients including in five in a compound heterozygous state, in one in heterozygous state, and in one allele in a study of 100 Danish patients where zygosity was not specified (Jacobson et al. 2011; Le Quesne Stabej et al. 2011; Dad et al. 2016). The p.Gly1942Ter variant was absent from 486 controls but is reported at a frequency of 0.00004 in the European (non-Finnish) population of the Exome Aggregation Consortium. This frequency is based on two alleles in a region of low sequence coverage. Based on the evidence, the p.Gly1942Ter variant is classified as likely pathogenic for MYO7A-related disorders, although notably has only been described in patients with Usher syndrome and appears to be inherited in an autosomal recessive manner. This variant was observed by ICSL as part of a predisposition screen in an ostensibly healthy population.

Laboratory for Molecular Medicine, Mass General Brigham Personalized Medicine
Classification: Pathogenic for Rare genetic deafness. Last evaluated: 2009-10-06. Review status: criteria provided, single submitter. Criteria: LMM Criteria. Collection method: clinical testing. Allele origin: germline. Observed: 4 variant alleles.

Baylor Genetics
Classification: Pathogenic for Usher syndrome type 1. Review status: criteria provided, single submitter. Criteria: ACMG Guidelines, 2015. Collection method: clinical testing. Allele origin: germline.

PreventionGenetics, part of Exact Sciences
Classification: Pathogenic for MYO7A-related condition. Last evaluated: 2024-09-19. Review status: no assertion criteria provided. Collection method: clinical testing. Allele origin: germline. Not counted in ClinVar's aggregate classification.
Comment: The MYO7A c.5824G>T variant is predicted to result in premature protein termination (p.Gly1942*). This variant has been reported along with a second variant allele in MYO7A in individuals with Usher syndrome or MYO7A-related features (Jacobson et al. 2011. PubMed ID: 21873662; Table S1, Lin et al. 2024. PubMed ID: 38219857; Table S1, Mansard et al. 2021. PubMed ID: 34948090). This variant is reported in 0.0027% of alleles in individuals of European (Non-Finnish) descent in gnomAD. Nonsense variants in MYO7A are expected to be pathogenic. This variant is interpreted as pathogenic.

Counsyl
Classification: Pathogenic for Usher syndrome type 1. Last evaluated: 2017-06-05. Review status: no assertion criteria provided. Collection method: clinical testing. Allele origin: unknown. Not counted in ClinVar's aggregate classification.

Clinical Genetics, Academic Medical Center
Classification: Pathogenic. Review status: no assertion criteria provided. Collection method: clinical testing. Allele origin: germline. Affected: yes. Study: VKGL Data-share Consensus. Not counted in ClinVar's aggregate classification.

Joint Genome Diagnostic Labs from Nijmegen and Maastricht, Radboudumc and MUMC+
Classification: Pathogenic. Review status: no assertion criteria provided. Collection method: clinical testing. Allele origin: germline. Affected: yes. Study: VKGL Data-share Consensus. Not counted in ClinVar's aggregate classification.

Literature cited by the submitters: PubMed 34948090 (cited by Natera, Inc. and Institute of Human Genetics, Univ. Regensburg, Univ. Regensburg); PubMed 27957503 (cited by Natera, Inc.); PubMed 8900236 (cited by Labcorp Genetics (formerly Invitae), Labcorp); PubMed 25404053 (cited by Labcorp Genetics (formerly Invitae), Labcorp); PubMed 21873662 (cited by 4 submitters); PubMed 22135276 (cited by 3 submitters); PubMed 31964843 (cited by Institute of Human Genetics, Univ. Regensburg, Univ. Regensburg); PubMed 31980526 (cited by Institute of Human Genetics, Univ. Regensburg, Univ. Regensburg).

NM_000260.4(MYO7A):c.5824G>T (p.Gly1942Ter)

Gene: MYO7A (myosin VIIA; plus strand). Cytogenetic location: 11q13.5.
Variant type: single nucleotide variant.
Coding change: c.5824G>T on transcript NM_000260.4 (MANE Select); coding-DNA position 5824, G replaced by T.
Protein change: p.Gly1942Ter; replaces glycine 1942 with a stop codon.
Molecular consequence: nonsense.
Genome position (GRCh38, 1-based): chr11:77,207,370, G>T. VCF-style: chr11-77207370-G-T. GRCh37 (hg19) VCF-style: chr11-76918415-G-T.
Other names: c.5710G>T, p.Gly1904Ter (NM_001127180.2); c.5677G>T, p.Gly1893Ter (NM_001369365.1); short protein forms G1942*, G1893*, G1904*.
Identifiers: ClinVar variation 43300 (VCV000043300.32), dbSNP rs111033192, ClinGen allele CA278693.